The following is an entry in ClinVar:

ClinVar aggregate classification (germline): Uncertain significance (1 of 4 stars; one submission).

Allele frequency attached by ClinVar (database versions not stated): gnomAD exomes below 0.00001; gnomAD 0.00002; TOPMed 0.00002.
gnomAD v4.1: 4 of 1,601,316 alleles (0.00025%); highest among the groups gnomAD compares: African/African-American, 0.004%; no homozygotes.

Submission:

Labcorp Genetics (formerly Invitae), Labcorp
Classification: Uncertain significance. Last evaluated: 2021-05-08. Review status: criteria provided, single submitter. Criteria: Invitae Variant Classification Sherloc (09022015). Collection method: clinical testing. Allele origin: germline.
Comment: In summary, the available evidence is currently insufficient to determine the role of this variant in disease. Therefore, it has been classified as a Variant of Uncertain Significance. Algorithms developed to predict the effect of missense changes on protein structure and function (SIFT, PolyPhen-2, Align-GVGD) all suggest that this variant is likely to be tolerated, but these predictions have not been confirmed by published functional studies and their clinical significance is uncertain. This variant has not been reported in the literature in individuals with HSPG2-related conditions. This variant is not present in population databases (ExAC no frequency). This sequence change replaces glycine with arginine at codon 1271 of the HSPG2 protein (p.Gly1271Arg). The glycine residue is weakly conserved and there is a moderate physicochemical difference between glycine and arginine.

NM_005529.7(HSPG2):c.3811G>C (p.Gly1271Arg)

Gene: HSPG2 (heparan sulfate proteoglycan 2; minus strand). Cytogenetic location: 1p36.12.
Variant type: single nucleotide variant.
Coding change: c.3811G>C on transcript NM_005529.7 (MANE Select); coding-DNA position 3811, G replaced by C.
Protein change: p.Gly1271Arg; replaces glycine 1271 with arginine.
Molecular consequence: missense variant.
Genome position (GRCh38, 1-based): chr1:21,873,074, C>G on the plus strand (G>C on the coding strand, the complement: HSPG2 is on the minus strand). VCF-style: chr1-21873074-C-G. GRCh37 (hg19) VCF-style: chr1-22199567-C-G.
Other names: c.3814G>C, p.Gly1272Arg (NM_001291860.2); short protein forms G1271R, G1272R.
Identifiers: ClinVar variation 1367330 (VCV001367330.8), dbSNP rs969288282, ClinGen allele CA19144563.
Genomic context (GRCh38, chr1:21,873,074, plus strand): 5'-CAGCAGCATCACACTGGCTGCTGACGCTGCCTTGGGGGTCACAGTTGCAGCCTATGGGCC[C>G]TGGCACCTGGCTGTCTCCTGAGGTGGAAGAAAGCCATGGCTGGAGCCCCAAACCCGCCAC-3'
Protein context (NP_005520.4, residues 1261-1281): QPCQRDSQVP[Gly1271Arg]PIGCNCDPQG